The following is an entry in ClinVar:

ClinVar aggregate classification (germline): Conflicting classifications of pathogenicity. Review status: criteria provided, conflicting classifications (1 of 4 stars). 4 submissions from 4 submitters: Uncertain significance (3); Benign (1). Last evaluated 2025-03-30.

Conditions:
Alagille syndrome due to a JAG1 point mutation. Also called: JAG1-Related Alagille Syndrome; HEPATIC DUCTULAR HYPOPLASIA, SYNDROMATIC; Alagille Syndrome 1. Identifiers: Orphanet 261619, Orphanet 52, MedGen C1956125, MONDO:0016862, OMIM 118450.
Tetralogy of Fallot (TOF). Identifiers: Orphanet 3303, MedGen C0039685, MONDO:0008542, OMIM 187500, HP:0001636.
Deafness, congenital heart defects, and posterior embryotoxon (DCHE). Identifiers: MedGen C1866053, MONDO:0060713, OMIM 617992.
Charcot-Marie-Tooth disease, axonal, Type 2HH. Also called: CHARCOT-MARIE-TOOTH NEUROPATHY, TYPE 2HH. Identifiers: MedGen C5562003, MONDO:0030458, OMIM 619574.
Cardiovascular phenotype. Identifiers: MedGen CN230736.

Allele frequency attached by ClinVar (database versions not stated): gnomAD 0.00005 and 0.00006; gnomAD exomes 0.00001; TOPMed 0.00008.
gnomAD v4.1: 16 of 1,612,906 alleles (0.00099%); highest among the groups gnomAD compares: African/African-American, 0.012%; no homozygotes.

Submissions (4):

Labcorp Genetics (formerly Invitae), Labcorp
Classification: Benign for Alagille syndrome due to a JAG1 point mutation. Last evaluated: 2025-03-30. Review status: criteria provided, single submitter. Criteria: Invitae Variant Classification Sherloc (09022015). Collection method: clinical testing. Allele origin: germline.

Department of Human Genetics, Hannover Medical School
Classification: Uncertain significance for Alagille syndrome due to a JAG1 point mutation. Last evaluated: 2025-02-01. Review status: criteria provided, single submitter. Criteria: ACMG Guidelines, 2015. Collection method: clinical testing. Allele origin: germline. Observed: 1 variant allele.
Comment: ACMG: Missense variant in a gene that has a low rate of benign missense variation and in which missense variants are a common mechanism of disease (Missense gnomAD constraint Z-Score JAG1: 5,3) [PP2]; Computational evidence support a deleterious effect on the gene or gene product (REVEL score 0.661) [PP3]

Ambry Genetics
Classification: Uncertain significance for Cardiovascular phenotype. Last evaluated: 2024-05-22. Review status: criteria provided, single submitter. Criteria: Ambry Variant Classification Scheme 2023. Collection method: clinical testing. Allele origin: germline.
Comment: The p.T106A variant (also known as c.316A>G), located in coding exon 2 of the JAG1 gene, results from an A to G substitution at nucleotide position 316. The threonine at codon 106 is replaced by alanine, an amino acid with similar properties. This amino acid position is conserved. In addition, the in silico prediction for this alteration is inconclusive. Since supporting evidence is limited at this time, the clinical significance of this alteration remains unclear.

Fulgent Genetics
Classification: Uncertain significance for Alagille syndrome due to a JAG1 point mutation; Tetralogy of Fallot; Deafness, congenital heart defects, and posterior embryotoxon; Charcot-Marie-Tooth disease, axonal, Type 2HH. Last evaluated: 2022-04-19. Review status: criteria provided, single submitter. Criteria: ACMG Guidelines, 2015. Collection method: clinical testing. Allele origin: unknown.

NM_000214.3(JAG1):c.316A>G (p.Thr106Ala)

Gene: JAG1 (jagged canonical Notch ligand 1; minus strand). Cytogenetic location: 20p12.2.
Variant type: single nucleotide variant.
Coding change: c.316A>G on transcript NM_000214.3 (MANE Select); coding-DNA position 316, A replaced by G.
Protein change: p.Thr106Ala; replaces threonine 106 with alanine.
Molecular consequence: missense variant.
Genome position (GRCh38, 1-based): chr20:10,672,772, T>C on the plus strand (A>G on the coding strand, the complement: JAG1 is on the minus strand). VCF-style: chr20-10672772-T-C. GRCh37 (hg19) VCF-style: chr20-10653420-T-C.
Other names: short protein forms T106A.
Identifiers: ClinVar variation 1445033 (VCV001445033.13), dbSNP rs909905245, ClinGen allele CA311357318.